The following is an entry in ClinVar:

ClinVar aggregate classification (germline): Uncertain significance (1 of 4 stars; one submission).

Submission:

Ambry Genetics
Classification: Uncertain significance. Last evaluated: 2024-09-15. Review status: criteria provided, single submitter. Criteria: Ambry Variant Classification Scheme 2023. Collection method: clinical testing. Allele origin: germline.
Comment: The p.I1027T variant (also known as c.3080T>C), located in coding exon 4 of the ALPK2 gene, results from a T to C substitution at nucleotide position 3080. The isoleucine at codon 1027 is replaced by threonine, an amino acid with similar properties. This amino acid position is conserved. In addition, this alteration is predicted to be tolerated by in silico analysis. Based on the available evidence, the clinical significance of this variant remains unclear.

NM_052947.4(ALPK2):c.3080T>C (p.Ile1027Thr)

Gene: ALPK2 (alpha kinase 2; minus strand). Cytogenetic location: 18q21.31.
Variant type: single nucleotide variant.
Coding change: c.3080T>C on transcript NM_052947.4 (MANE Select); coding-DNA position 3080, T replaced by C.
Protein change: p.Ile1027Thr; replaces isoleucine 1027 with threonine.
Molecular consequence: missense variant.
Genome position (GRCh38, 1-based): chr18:58,537,107, A>G on the plus strand (T>C on the coding strand, the complement: ALPK2 is on the minus strand). VCF-style: chr18-58537107-A-G. GRCh37 (hg19) VCF-style: chr18-56204339-A-G.
Other names: short protein forms I1027T.
Identifiers: ClinVar variation 3531501 (VCV003531501.1).
Genomic context (GRCh38, chr18:58,537,107, plus strand): 5'-TTTTCATGGGATGCACGAGGGAACCTCTCCTCAGTGCCACCTGCATGCTTGTCCTCAGGA[A>G]TTGACACAGCAAGGTATTTGGCTGGGTGGACTTCGGTGGCAATGGTAACAGTTGATGTGT-3'
Protein context (NP_443179.3, residues 1017-1037): VHPAKYLAVS[Ile1027Thr]PEDKHAGGTE